The following is an entry in ClinVar:

ClinVar aggregate classification (germline): Uncertain significance (1 of 4 stars; one submission).

Submission:

GeneDx
Classification: Uncertain significance. Last evaluated: 2024-07-03. Review status: criteria provided, single submitter. Criteria: GeneDx Variant Classification Process June 2021. Collection method: clinical testing. Allele origin: germline. Affected: yes.
Comment: Not observed at significant frequency in large population cohorts (gnomAD); In silico analysis supports that this missense variant has a deleterious effect on protein structure/function; Has not been previously published as pathogenic or benign to our knowledge

NM_022455.5(NSD1):c.4870C>A (p.Pro1624Thr)

Gene: NSD1 (nuclear receptor binding SET domain protein 1; plus strand). Cytogenetic location: 5q35.3.
Variant type: single nucleotide variant.
Coding change: c.4870C>A on transcript NM_022455.5 (MANE Select); coding-DNA position 4870, C replaced by A.
Protein change: p.Pro1624Thr; replaces proline 1624 with threonine.
Molecular consequence: missense variant.
Genome position (GRCh38, 1-based): chr5:177,257,055, C>A. VCF-style: chr5-177257055-C-A. GRCh37 (hg19) VCF-style: chr5-176684056-C-A.
Other names: c.3997C>A, p.Pro1333Thr (NM_001365684.2, NM_001409308.1, NM_001409309.1 and 1 more transcripts); c.4870C>A, p.Pro1624Thr (NM_001409301.1, NM_001409302.1, NM_001409303.1); c.4450C>A, p.Pro1484Thr (NM_001409304.1); c.4117C>A, p.Pro1373Thr (NM_001409305.1); c.4108C>A, p.Pro1370Thr (NM_001409306.1, NM_001409307.1); short protein forms P1484T, P1624T, P1373T, P1333T, P1370T.
Identifiers: ClinVar variation 3393863 (VCV003393863.1).
Genomic context (GRCh38, chr5:177,257,055, plus strand): 5'-AAAAGGTGCCTTCTACCCTTGTGTGGAAAGTTTTACCATGAAGAGTGTGTCCAGAAGTAC[C>A]CACCCACTGTTATGCAGAACAAGGGCTTCCGGTGCTCCCTCCACATCTGTATAACCTGTC-3'
Protein context (NP_071900.2, residues 1614-1634): FYHEECVQKY[Pro1624Thr]PTVMQNKGFR